The following is an entry in ClinVar:

NM_020843.4(SCAPER):c.3688C>T (p.His1230Tyr)

Gene: SCAPER (S-phase cyclin A associated protein in the ER; minus strand). Cytogenetic location: 15q24.3.
Variant type: single nucleotide variant.
Coding change: c.3688C>T on transcript NM_020843.4 (MANE Select); coding-DNA position 3688, C replaced by T.
Protein change: p.His1230Tyr; replaces histidine 1230 with tyrosine.
Molecular consequence: missense variant. On other transcripts: non-coding transcript variant (1).
Genome position (GRCh38, 1-based): chr15:76,381,395, G>A on the plus strand (C>T on the coding strand, the complement: SCAPER is on the minus strand). VCF-style: chr15-76381395-G-A. GRCh37 (hg19) VCF-style: chr15-76673736-G-A.
Other names: c.2950C>T, p.His984Tyr (NM_001145923.2); c.3706C>T, p.His1236Tyr (NM_001353009.2); c.3286C>T, p.His1096Tyr (NM_001353010.2, NM_001353012.2); c.3304C>T, p.His1102Tyr (NM_001353011.2); c.3688C>T (NM_020843.2); short protein forms H1102Y, H1236Y, H1096Y, H1230Y, H984Y.
Identifiers: ClinVar variation 4986450 (VCV004986450.2).

ClinVar aggregate classification (germline): Uncertain significance. Review status: criteria provided, multiple submitters, no conflicts (2 of 4 stars). 2 submissions from 2 submitters: Uncertain significance (2). Last evaluated 2026-09-01.

Conditions:
SCAPER-related disorder. Also called: SCAPER-related condition.

gnomAD v4.1: 12 of 1,613,262 alleles (0.00074%); highest among the groups gnomAD compares: Admixed American, 0.017%; no homozygotes.

Submissions (2):

PreventionGenetics, part of Exact Sciences
Classification: Uncertain significance for SCAPER-related condition. Last evaluated: 2026-09-01. Review status: criteria provided, single submitter. Criteria: ACMG Guidelines, 2015. Collection method: clinical testing. Allele origin: germline.
Comment: The SCAPER c.3706C>T variant is predicted to result in the amino acid substitution p.His1236Tyr. To our knowledge, this variant has not been reported in the literature. This variant is reported in 0.029% of alleles in individuals of Latino descent in gnomAD. At this time, the clinical significance of this variant is uncertain due to the absence of conclusive functional and genetic evidence.

GeneDx
Classification: Uncertain significance. Last evaluated: 2026-04-17. Review status: criteria provided, single submitter. Criteria: GeneDx Variant Classification Process June 2021. Collection method: clinical testing. Allele origin: germline.
Comment: In silico analysis suggests that this missense variant does not alter protein structure/function; Has not been previously published as pathogenic or benign to our knowledge